The following is an entry in ClinVar:

NM_004815.4(ARHGAP29):c.2514C>T (p.Asn838=)

Gene: ARHGAP29 (Rho GTPase activating protein 29; minus strand). Cytogenetic location: 1p22.1.
Variant type: single nucleotide variant.
Coding change: c.2514C>T on transcript NM_004815.4 (MANE Select); coding-DNA position 2514, C replaced by T.
Protein change: p.Asn838=; no amino-acid change (asparagine 838 retained).
Molecular consequence: synonymous variant.
Genome position (GRCh38, 1-based): chr1:94,178,134, G>A on the plus strand (C>T on the coding strand, the complement: ARHGAP29 is on the minus strand). VCF-style: chr1-94178134-G-A. GRCh37 (hg19) VCF-style: chr1-94643690-G-A.
Other names: c.2514C>T, p.Asn838= (NM_001328664.2); c.2322C>T, p.Asn774= (NM_001328665.2, NM_001328667.2); c.2487C>T, p.Asn829= (NM_001328666.2).
Identifiers: ClinVar variation 3039291 (VCV003039291.2), dbSNP rs557199577, ClinGen allele CA959256.

ClinVar aggregate classification (germline): Likely benign (0 of 4 stars; one submission).

Conditions:
ARHGAP29-related disorder. Also called: ARHGAP29-Related Disorders; ARHGAP29-related condition.

Allele frequency attached by ClinVar (database versions not stated): TOPMed 0.00002; gnomAD 0.00015; gnomAD exomes 0.00025; ExAC 0.00062; 1000 Genomes Project 30x 0.00125; 1000 Genomes Project 0.00160.
gnomAD v4.1: 389 of 1,613,890 alleles (0.024%); highest among the groups gnomAD compares: South Asian, 0.41%; 4 homozygotes.

Submission:

PreventionGenetics, part of Exact Sciences
Classification: Likely benign for ARHGAP29-related condition. Last evaluated: 2019-05-28. Review status: no assertion criteria provided. Collection method: clinical testing. Allele origin: germline.
Comment: This variant is classified as likely benign based on ACMG/AMP sequence variant interpretation guidelines (Richards et al. 2015 PMID: 25741868, with internal and published modifications).